The following is an entry in ClinVar:

NM_001190467.2(PRR36):c.390C>G (p.Gly130=)

Gene: PRR36 (proline rich 36; minus strand). Cytogenetic location: 19p13.2.
Variant type: single nucleotide variant.
Coding change: c.390C>G on transcript NM_001190467.2 (MANE Select); coding-DNA position 390, C replaced by G.
Protein change: p.Gly130=; no amino-acid change (glycine 130 retained).
Molecular consequence: synonymous variant. On other transcripts: non-coding transcript variant (1).
Genome position (GRCh38, 1-based): chr19:7,872,946, G>C on the plus strand (C>G on the coding strand, the complement: PRR36 is on the minus strand). VCF-style: chr19-7872946-G-C. GRCh37 (hg19) VCF-style: chr19-7937832-G-C.
Identifiers: ClinVar variation 2649184 (VCV002649184.24), dbSNP rs565851094, ClinGen allele CA9147466.

ClinVar aggregate classification (germline): Likely benign (1 of 4 stars; one submission).

Allele frequency attached by ClinVar (database versions not stated): 1000 Genomes Project 0.00020; 1000 Genomes Project 30x 0.00031; gnomAD 0.00066; TOPMed 0.00076; ExAC 0.00287.
gnomAD v4.1: 921 of 1,535,996 alleles (0.06%); highest among the groups gnomAD compares: Middle Eastern, 0.084%; 5 homozygotes.

Submission:

CeGaT Center for Human Genetics Tuebingen
Classification: Likely benign. Last evaluated: 2022-04-01. Review status: criteria provided, single submitter. Criteria: CeGaT Center For Human Genetics Tuebingen Variant Classification Criteria Version 2. Collection method: clinical testing. Allele origin: germline. Affected: yes. Observed: 1 variant allele.
Comment: PRR36: BP4, BP7